The following is an entry in ClinVar:

NM_006912.6(RIT1):c.142G>A (p.Glu48Lys)

Gene: RIT1 (Ras like without CAAX 1; minus strand). Cytogenetic location: 1q22.
Variant type: single nucleotide variant.
Coding change: c.142G>A on transcript NM_006912.6 (MANE Select); coding-DNA position 142, G replaced by A.
Protein change: p.Glu48Lys; replaces glutamic acid 48 with lysine.
Molecular consequence: missense variant.
Genome position (GRCh38, 1-based): chr1:155,910,471, C>T on the plus strand (G>A on the coding strand, the complement: RIT1 is on the minus strand). VCF-style: chr1-155910471-C-T. GRCh37 (hg19) VCF-style: chr1-155880262-C-T.
Other names: c.34G>A, p.Glu12Lys (NM_001256820.2); c.193G>A, p.Glu65Lys (NM_001256821.2); short protein forms E12K, E48K, E65K.
Identifiers: ClinVar variation 3622792 (VCV003622792.2).

ClinVar aggregate classification (germline): Uncertain significance (1 of 4 stars; one submission).

Conditions:
Noonan syndrome 8 (NS8). Identifiers: Orphanet 648, MedGen C3809233, MONDO:0014143, OMIM 615355.

Submission:

Labcorp Genetics (formerly Invitae), Labcorp
Classification: Uncertain significance for Noonan syndrome 8. Last evaluated: 2024-12-05. Review status: criteria provided, single submitter. Criteria: Invitae Variant Classification Sherloc (09022015). Collection method: clinical testing. Allele origin: germline.
Comment: This sequence change replaces glutamic acid, which is acidic and polar, with lysine, which is basic and polar, at codon 48 of the RIT1 protein (p.Glu48Lys). This variant is not present in population databases (gnomAD no frequency). This variant has not been reported in the literature in individuals affected with RIT1-related conditions. An algorithm developed to predict the effect of missense changes on protein structure and function (PolyPhen-2) suggests that this variant is likely to be disruptive. In summary, the available evidence is currently insufficient to determine the role of this variant in disease. Therefore, it has been classified as a Variant of Uncertain Significance.